The following is an entry in ClinVar:

ClinVar aggregate classification (germline): Uncertain significance (1 of 4 stars; one submission).

Conditions:
Deficiency of ferroxidase (ACEP). Also called: Aceruloplasminemia; Ceruloplasmin deficiency; Familial apoceruloplasmin deficiency; Hereditary ceruloplasmin deficiency; NEURODEGENERATION WITH BRAIN IRON ACCUMULATION 10; Deficiency of ceruloplasmin. Identifiers: Orphanet 48818, MedGen C0878682, MONDO:0011426, OMIM 604290, HP:0025498.

Allele frequency attached by ClinVar (database versions not stated): TOPMed below 0.00001; gnomAD 0.00001.

Submission:

Labcorp Genetics (formerly Invitae), Labcorp
Classification: Uncertain significance for Deficiency of ferroxidase. Last evaluated: 2022-04-09. Review status: criteria provided, single submitter. Criteria: Invitae Variant Classification Sherloc (09022015). Collection method: clinical testing. Allele origin: germline.
Comment: This variant is not present in population databases (gnomAD no frequency). In summary, the available evidence is currently insufficient to determine the role of this variant in disease. Therefore, it has been classified as a Variant of Uncertain Significance. Variants that disrupt the consensus splice site are a relatively common cause of aberrant splicing (PMID: 17576681, 9536098). Algorithms developed to predict the effect of sequence changes on RNA splicing suggest that this variant is not likely to affect RNA splicing. This variant has not been reported in the literature in individuals affected with CP-related conditions. This sequence change falls in intron 15 of the CP gene. It does not directly change the encoded amino acid sequence of the CP protein. It affects a nucleotide within the consensus splice site.

Literature cited by the submitters: PubMed 17576681; PubMed 9536098.

NM_000096.4(CP):c.2662-3C>T

Gene: CP (ceruloplasmin; minus strand). Cytogenetic location: 3q24.
Variant type: single nucleotide variant.
Coding change: c.2662-3C>T on transcript NM_000096.4 (MANE Select); 3 bases into the intron before coding-DNA position 2662, C replaced by T.
Molecular consequence: intron variant.
Genome position (GRCh38, 1-based): chr3:149,178,634, G>A on the plus strand (C>T on the coding strand, the complement: CP is on the minus strand). VCF-style: chr3-149178634-G-A. GRCh37 (hg19) VCF-style: chr3-148896421-G-A.
Identifiers: ClinVar variation 1976060 (VCV001976060.5), dbSNP rs1007779298, ClinGen allele CA85528883.
Genomic context (GRCh38, chr3:149,178,634, plus strand): 5'-CTTTCAAGTAAGGTCTTCGACAAACAATCAGGGGGCCAATTAATCCACTGTAGAGGTCCT[G>A]GAAACAAGAAAAATCTTCAGTAACCCTTGTGAATTAGGTCAGGATTTCAGAGAACTGAGA-3'